The following is an entry in ClinVar:

ClinVar aggregate classification (germline): Likely pathogenic. Review status: criteria provided, multiple submitters, no conflicts (2 of 4 stars). 2 submissions from 2 submitters: Likely pathogenic (2). Last evaluated 2025-02-28.

Conditions:
Congenital microcephaly - severe encephalopathy - progressive cerebral atrophy syndrome. Also called: Asparagine synthetase deficiency; ASNS DEFICIENCY. Identifiers: Orphanet 391376, MedGen C3809971, MONDO:0014258, OMIM 615574.

Allele frequency attached by ClinVar (database versions not stated): gnomAD exomes below 0.00001; TOPMed 0.00002; gnomAD 0.00001.

Submissions (2):

Natera, Inc.
Classification: Likely pathogenic for Asparagine synthetase deficiency. Last evaluated: 2025-02-28. Review status: criteria provided, single submitter. Criteria: Natera Variant Classification Schema (03/2026). Collection method: clinical testing. Allele origin: germline.
Comment: The c.1239-1delG variant in ASNS is a canonical splice acceptor site variant predicted to affect pre-mRNA splicing, which may result in an abnormal transcript and altered protein product. This variant is expected to result in nonsense mediated decay, truncation, or a dysfunctional protein product. This variant is rare in the general population with a frequency below the threshold expected for the associated phenotype(s). Given the available evidence, this variant is classified as Likely Pathogenic.

Labcorp Genetics (formerly Invitae), Labcorp
Classification: Likely pathogenic. Last evaluated: 2022-03-04. Review status: criteria provided, single submitter. Criteria: Invitae Variant Classification Sherloc (09022015). Collection method: clinical testing. Allele origin: germline.
Comment: This sequence change affects a splice site in intron 10 of the ASNS gene. It is expected to disrupt RNA splicing. Variants that disrupt the donor or acceptor splice site typically lead to a loss of protein function (PMID: 16199547), and loss-of-function variants in ASNS are known to be pathogenic (PMID: 27422383, 30057589). This variant is present in population databases (no rsID available, gnomAD 0.007%). In summary, the currently available evidence indicates that the variant is pathogenic, but additional data are needed to prove that conclusively. Therefore, this variant has been classified as Likely Pathogenic. Algorithms developed to predict the effect of sequence changes on RNA splicing suggest that this variant may disrupt the consensus splice site. This variant has not been reported in the literature in individuals affected with ASNS-related conditions.

Literature cited by the submitters: PubMed 16199547 (cited by Labcorp Genetics (formerly Invitae), Labcorp); PubMed 27422383 (cited by Labcorp Genetics (formerly Invitae), Labcorp); PubMed 30057589 (cited by Labcorp Genetics (formerly Invitae), Labcorp).

NM_001673.5(ASNS):c.1239-1del

Genes: ASNS (asparagine synthetase (glutamine-hydrolyzing); minus strand), CZ1P-ASNS (CZ1P-ASNS readthrough; minus strand). Cytogenetic location: 7q21.3.
Variant type: Deletion.
Coding change: c.1239-1del on transcript NM_001673.5 (MANE Select); the canonical splice acceptor site of the intron before coding-DNA position 1239, one base deleted (G; older notation c.1239-1delG).
Molecular consequence: splice acceptor variant.
Genome position (GRCh38, 1-based): chr7:97,853,387, C deleted on the plus strand (G on the coding strand, the reverse complement: ASNS is on the minus strand). VCF-style (leftmost placement, unchanged base first): chr7-97853386-AC-A. GRCh37 (hg19) VCF-style: chr7-97482698-AC-A.
Other names: c.990-1del (NM_001178076.2, NM_001178077.1); c.1176-1del (NM_001178075.2); c.1239-1del (NM_183356.4, NM_133436.3, NM_001352496.2); c.1239-1delG (NM_133436.3).
Identifiers: ClinVar variation 1498196 (VCV001498196.9), dbSNP rs1212780118, ClinGen allele CA576362275.